The following is an entry in ClinVar:

NM_001903.5(CTNNA1):c.469-4A>G

Gene: CTNNA1 (catenin alpha 1; plus strand). Cytogenetic location: 5q31.2.
Variant type: single nucleotide variant.
Coding change: c.469-4A>G on transcript NM_001903.5 (MANE Select); 4 bases into the intron before coding-DNA position 469, A replaced by G.
Molecular consequence: intron variant.
Genome position (GRCh38, 1-based): chr5:138,812,179, A>G. VCF-style: chr5-138812179-A-G. GRCh37 (hg19) VCF-style: chr5-138147868-A-G.
Other names: c.469-4A>G (NM_001323982.2, NM_001323984.2, NM_001290307.3 and 3 more transcripts); c.100-4A>G (NM_001290310.3); c.160-4A>G (NM_001290309.3).
Identifiers: ClinVar variation 650687 (VCV000650687.14), dbSNP rs746371282, ClinGen allele CA3431466.

ClinVar aggregate classification (germline): Likely benign. Review status: criteria provided, multiple submitters, no conflicts (2 of 4 stars). 3 submissions from 3 submitters: Likely benign (3). Last evaluated 2024-10-09.

Conditions:
Hereditary diffuse gastric adenocarcinoma (HDGC). Also called: DIFFUSE GASTRIC AND LOBULAR BREAST CANCER SYNDROME. Identifiers: Orphanet 26106, MedGen C1708349, MONDO:0007648, OMIM 137215.
Hereditary cancer-predisposing syndrome. Also called: Hereditary Cancer Syndrome; Tumor predisposition; Neoplastic Syndromes, Hereditary; Hereditary neoplastic syndrome. Identifiers: Orphanet 140162, MedGen C0027672, MeSH D009386, MONDO:0015356.

Allele frequency attached by ClinVar (database versions not stated): gnomAD exomes below 0.00001 and 0.00001; TOPMed below 0.00001; ExAC 0.00001.
gnomAD v4.1: 1 of 1,611,032 alleles (0.000062%); highest among the groups gnomAD compares: Non-Finnish European, 0.000085%; no homozygotes.

Submissions (3):

Myriad Genetics, Inc.
Classification: Likely benign for Hereditary diffuse gastric adenocarcinoma. Last evaluated: 2024-10-09. Review status: criteria provided, single submitter. Criteria: Myriad Autosomal Dominant, Autosomal Recessive and X-Linked Classification Criteria (2023). Collection method: clinical testing. Allele origin: unknown.
Comment: This variant is considered likely benign. This variant is intronic and is not expected to impact mRNA splicing.

Ambry Genetics
Classification: Likely benign for Hereditary cancer-predisposing syndrome. Last evaluated: 2024-01-25. Review status: criteria provided, single submitter. Criteria: Ambry Variant Classification Scheme 2023. Collection method: clinical testing. Allele origin: germline.

Labcorp Genetics (formerly Invitae), Labcorp
Classification: Likely benign. Last evaluated: 2023-11-25. Review status: criteria provided, single submitter. Criteria: Invitae Variant Classification Sherloc (09022015). Collection method: clinical testing. Allele origin: germline.